The following is an entry in ClinVar:

ClinVar aggregate classification (germline): Benign/Likely benign. Review status: criteria provided, multiple submitters, no conflicts (2 of 4 stars). 6 submissions from 6 submitters: Benign (1); Likely benign (3). 2 of the submissions do not count toward it. Last evaluated 2026-01-16.

Conditions:
Van den Ende-Gupta syndrome (VDEGS). Also called: BLEPHAROPHIMOSIS, ARACHNODACTYLY, AND CONGENITAL CONTRACTURES. Identifiers: Orphanet 2460, MedGen C1833136, MONDO:0010959, OMIM 600920.

Allele frequency attached by ClinVar (database versions not stated): 1000 Genomes Project 0.01358; 1000 Genomes Project 30x 0.01374; ExAC 0.02363; gnomAD exomes 0.02393 and 0.03558; gnomAD 0.02438 and 0.02487; TOPMed 0.02575; ESP Exome Variant Server 0.02641.

Submissions (6):

Labcorp Genetics (formerly Invitae), Labcorp
Classification: Benign. Last evaluated: 2026-01-16. Review status: criteria provided, single submitter. Criteria: Invitae Variant Classification Sherloc (09022015). Collection method: clinical testing. Allele origin: germline.

GeneDx
Classification: Likely benign. Last evaluated: 2022-04-22. Review status: criteria provided, single submitter. Criteria: GeneDx Variant Classification Process June 2021. Collection method: clinical testing. Allele origin: germline. Affected: yes.
Comment: See Variant Classification Assertion Criteria.

Genome Diagnostics Laboratory, University Medical Center Utrecht
Classification: Likely benign for Van den Ende-Gupta syndrome. Last evaluated: 2016-09-27. Review status: criteria provided, single submitter. Criteria: ACGS Guidelines, 2013. Collection method: clinical testing. Allele origin: germline. Affected: yes. Study: VKGL Data-share Consensus.

Breakthrough Genomics
Classification: Likely benign. Review status: criteria provided, single submitter. Criteria: ACMG Guidelines, 2015. Collection method: not provided. Allele origin: germline. Inheritance: Autosomal recessive inheritance. Affected: yes.

Genome Diagnostics Laboratory, Amsterdam University Medical Center
Classification: Benign for Van den Ende-Gupta syndrome. Last evaluated: 2015-06-19. Review status: no assertion criteria provided. Criteria: ACGS Guidelines, 2013. Collection method: clinical testing. Allele origin: germline. Affected: yes. Study: VKGL Data-share Consensus. Not counted in ClinVar's aggregate classification.

Joint Genome Diagnostic Labs from Nijmegen and Maastricht, Radboudumc and MUMC+
Classification: Benign. Review status: no assertion criteria provided. Collection method: clinical testing. Allele origin: germline. Affected: yes. Study: VKGL Data-share Consensus. Not counted in ClinVar's aggregate classification.

NM_182895.5(SCARF2):c.1967C>T (p.Pro656Leu)

Gene: SCARF2 (scavenger receptor class F member 2; minus strand). Cytogenetic location: 22q11.21.
Variant type: single nucleotide variant.
Coding change: c.1967C>T on transcript NM_182895.5 (MANE Select); coding-DNA position 1967, C replaced by T.
Protein change: p.Pro656Leu; replaces proline 656 with leucine.
Molecular consequence: missense variant.
Genome position (GRCh38, 1-based): chr22:20,426,009, G>A on the plus strand (C>T on the coding strand, the complement: SCARF2 is on the minus strand). VCF-style: chr22-20426009-G-A. GRCh37 (hg19) VCF-style: chr22-20780296-G-A.
Other names: c.1982C>T, p.Pro661Leu (NM_153334.7); short protein forms P661L, P656L.
Identifiers: ClinVar variation 522182 (VCV000522182.18), dbSNP rs9680797, ClinGen allele CA10112258.
Genomic context (GRCh38, chr22:20,426,009, plus strand): 5'-GCAGCGGCGCTGTGCTTGCCGTGGATCCAGGACACCTTAGGCTTGGTGGCGGGGTCAGGT[G>A]GCGGCGGTTTCCTGCGCTCGGGCGATGGCGACAGCGACAGGCCCCCAATCTCGCCCCGGG-3'
Protein context (NP_878315.2, residues 646-666): SPSPERRKPP[Pro656Leu]PDPATKPKVS